The following is an entry in ClinVar:

NM_000057.4(BLM):c.2479A>G (p.Met827Val)

Gene: BLM (BLM RecQ like helicase; plus strand). Cytogenetic location: 15q26.1.
Variant type: single nucleotide variant.
Coding change: c.2479A>G on transcript NM_000057.4 (MANE Select); coding-DNA position 2479, A replaced by G.
Protein change: p.Met827Val; replaces methionine 827 with valine.
Molecular consequence: missense variant.
Genome position (GRCh38, 1-based): chr15:90,769,510, A>G. VCF-style: chr15-90769510-A-G. GRCh37 (hg19) VCF-style: chr15-91312740-A-G.
Other names: c.2479A>G, p.Met827Val (NM_001287246.2, NM_001287247.2); c.1354A>G, p.Met452Val (NM_001287248.2); short protein forms M452V, M827V.
Identifiers: ClinVar variation 3480883 (VCV003480883.1).

ClinVar aggregate classification (germline): Uncertain significance (1 of 4 stars; one submission).

Conditions:
Hereditary cancer-predisposing syndrome. Also called: Tumor predisposition; Neoplastic Syndromes, Hereditary; Hereditary Cancer Syndrome; Hereditary neoplastic syndrome. Identifiers: Orphanet 140162, MedGen C0027672, MeSH D009386, MONDO:0015356.

Submission:

Ambry Genetics
Classification: Uncertain significance for Hereditary cancer-predisposing syndrome. Last evaluated: 2024-10-23. Review status: criteria provided, single submitter. Criteria: Ambry Variant Classification Scheme 2023. Collection method: clinical testing. Allele origin: germline.
Comment: The p.M827V variant (also known as c.2479A>G), located in coding exon 11 of the BLM gene, results from an A to G substitution at nucleotide position 2479. The methionine at codon 827 is replaced by valine, an amino acid with highly similar properties. This amino acid position is conserved. In addition, the in silico prediction for this alteration is inconclusive. Based on the available evidence, the clinical significance of this variant remains unclear.